The following is an entry in ClinVar:

NM_000823.4(GHRHR):c.230C>T (p.Pro77Leu)

Gene: GHRHR (growth hormone releasing hormone receptor; plus strand). Cytogenetic location: 7p14.3.
Variant type: single nucleotide variant.
Coding change: c.230C>T on transcript NM_000823.4 (MANE Select); coding-DNA position 230, C replaced by T.
Protein change: p.Pro77Leu; replaces proline 77 with leucine.
Molecular consequence: missense variant.
Genome position (GRCh38, 1-based): chr7:30,969,132, C>T. VCF-style: chr7-30969132-C-T. GRCh37 (hg19) VCF-style: chr7-31008747-C-T.
Other names: short protein forms P77L.
Identifiers: ClinVar variation 393002 (VCV000393002.2), dbSNP rs776859854, ClinGen allele CA4208436.

ClinVar aggregate classification (germline): Uncertain significance (1 of 4 stars; one submission).

Allele frequency attached by ClinVar (database versions not stated): ExAC below 0.00001; gnomAD 0.00001; gnomAD exomes 0.00001 and 0.00002; TOPMed 0.00002.
gnomAD v4.1: 34 of 1,575,052 alleles (0.0022%); highest among the groups gnomAD compares: Non-Finnish European, 0.0028%; no homozygotes.

Submission:

GeneDx
Classification: Uncertain significance. Last evaluated: 2017-01-19. Review status: criteria provided, single submitter. Criteria: GeneDx Variant Classification (06012015). Collection method: clinical testing. Allele origin: germline. Affected: yes.
Comment: The P77L variant in the GHRHR gene has not been reported previously as a pathogenic variant, nor as a benign variant, to our knowledge. The P77L variant was not observed in approximately 6500 individuals of European and African American ancestry in the NHLBI Exome Sequencing Project, indicating it is not a common benign variant in these populations. The P77L variant is a semi-conservative amino acid substitution, which may impact secondary protein structure as these residues differ in some properties. This substitution occurs at a position that is conserved in mammals. In silico analysis predicts this variant is probably damaging to the protein structure/function. We interpret P77L as a variant of uncertain significance.